The following is an entry in ClinVar:

ClinVar aggregate classification (germline): Uncertain significance (1 of 4 stars; one submission).

Conditions:
Familial thoracic aortic aneurysm and aortic dissection (TAAD). Also called: Thoracic aortic aneurysms and dissections. Identifiers: Orphanet 91387, MedGen C4707243, MONDO:0019625.

Submission:

Ambry Genetics
Classification: Uncertain significance for Familial thoracic aortic aneurysm and aortic dissection. Last evaluated: 2015-09-23. Review status: criteria provided, single submitter. Criteria: Ambry Variant Classification Scheme 2023. Collection method: clinical testing. Allele origin: germline.
Comment: The p.H1041Q variant (also known as c.3123C>G), located in coding exon 25 of the FBN1 gene, results from a C to G substitution at nucleotide position 3123. The histidine at codon 1041 is replaced by glutamine, an amino acid with highly similar properties. This variant was not reported in population based cohorts in the following databases: Database of Single Nucleotide Polymorphisms (dbSNP), NHLBI Exome Sequencing Project (ESP), and 1000 Genomes Project. In the ESP, this variant was not observed in 6494 samples (12988 alleles) with coverage at this position. This amino acid position is highly conserved in mammals, but not in all available vertebrate species. In addition, this alteration is predicted to be benign and deleterious by PolyPhen and SIFT in silico analyses, respectively. Since supporting evidence is limited at this time, the clinical significance of this variant remains unclear.

NM_000138.5(FBN1):c.3123C>G (p.His1041Gln)

Gene: FBN1 (fibrillin 1; minus strand). Cytogenetic location: 15q21.1.
Variant type: single nucleotide variant.
Coding change: c.3123C>G on transcript NM_000138.5 (MANE Select); coding-DNA position 3123, C replaced by G.
Protein change: p.His1041Gln; replaces histidine 1041 with glutamine.
Molecular consequence: missense variant.
Genome position (GRCh38, 1-based): chr15:48,488,453, G>C on the plus strand (C>G on the coding strand, the complement: FBN1 is on the minus strand). VCF-style: chr15-48488453-G-C. GRCh37 (hg19) VCF-style: chr15-48780650-G-C.
Other names: short protein forms H1041Q.
Identifiers: ClinVar variation 264289 (VCV000264289.5), dbSNP rs576395584, ClinGen allele CA10587837.